The following is an entry in ClinVar:

NM_206933.4(USH2A):c.1972-8_1977del

Gene: USH2A (usherin; minus strand). Cytogenetic location: 1q41.
Variant type: Deletion.
Coding change: c.1972-8_1977del on transcript NM_206933.4 (MANE Select); 8 bases into the intron before coding-DNA position 1972 through coding-DNA position 1977, 14 bases deleted (TTCTCTAGATTGGA).
Molecular consequence: splice acceptor variant.
Genome position (GRCh38, 1-based): chr1:216,251,093-216,251,106, TCCAATCTAGAGAA deleted on the plus strand (TTCTCTAGATTGGA on the coding strand, the reverse complement: USH2A is on the minus strand). VCF-style (leftmost placement, unchanged base first): chr1-216251092-CTCCAATCTAGAGAA-C. GRCh37 (hg19) VCF-style: chr1-216424434-CTCCAATCTAGAGAA-C.
Other names: c.1972-8_1977del (NM_007123.6).
Identifiers: ClinVar variation 5004738 (VCV005004738.1).

ClinVar aggregate classification (germline): Likely pathogenic (1 of 4 stars; one submission).

Conditions:
USH2A-related disorder. Also called: USH2A-related condition; USH2A-related disorders. Identifiers: MedGen CN239332.

Submission:

Myriad Genetics, Inc.
Classification: Likely pathogenic for USH2A-related disorder. Last evaluated: 2026-06-19. Review status: criteria provided, single submitter. Criteria: Myriad Autosomal Dominant, Autosomal Recessive and X-Linked Classification Criteria (2023). Collection method: clinical testing. Allele origin: unknown.
Comment: NM_206933.2(USH2A):c.1972-8_1977del14 is a variant in a canonical splice site classified as likely pathogenic in the context of USH2A-related disorders. c.1972-8_1977del14 has not been observed in cases with relevant disease. Relevant functional assessments of this variant are not available in the literature. c.1972-8_1977del14 has not been observed in referenced population frequency databases. In summary, NM_206933.2(USH2A):c.1972-8_1977del14 is a variant in a canonical splice site in a gene where loss of function is a known mechanism of disease and is predicted to disrupt protein function. Please note: this variant was assessed in the context of healthy population screening.